The following is an entry in ClinVar:

NM_001127496.3(SPRY4):c.227C>T (p.Pro76Leu)

Gene: SPRY4 (sprouty RTK signaling antagonist 4; minus strand). Cytogenetic location: 5q31.3.
Variant type: single nucleotide variant.
Coding change: c.227C>T on transcript NM_001127496.3 (MANE Select); coding-DNA position 227, C replaced by T.
Protein change: p.Pro76Leu; replaces proline 76 with leucine.
Molecular consequence: missense variant.
Genome position (GRCh38, 1-based): chr5:142,314,882, G>A on the plus strand (C>T on the coding strand, the complement: SPRY4 is on the minus strand). VCF-style: chr5-142314882-G-A. GRCh37 (hg19) VCF-style: chr5-141694447-G-A.
Other names: c.227C>T, p.Pro76Leu (NM_001293289.3, NM_001293290.3); c.296C>T, p.Pro99Leu (NM_030964.5); short protein forms P76L, P99L.
Identifiers: ClinVar variation 3715051 (VCV003715051.2).

ClinVar aggregate classification (germline): Uncertain significance (1 of 4 stars; one submission).

gnomAD v4.1: 57 of 1,600,120 alleles (0.0036%); highest among the groups gnomAD compares: Admixed American, 0.049%; no homozygotes.

Submission:

Labcorp Genetics (formerly Invitae), Labcorp
Classification: Uncertain significance. Last evaluated: 2024-05-09. Review status: criteria provided, single submitter. Criteria: Invitae Variant Classification Sherloc (09022015). Collection method: clinical testing. Allele origin: germline.
Comment: This sequence change replaces proline, which is neutral and non-polar, with leucine, which is neutral and non-polar, at codon 99 of the SPRY4 protein (p.Pro99Leu). This variant is present in population databases (rs147258139, gnomAD 0.04%). This variant has not been reported in the literature in individuals affected with SPRY4-related conditions. Algorithms developed to predict the effect of missense changes on protein structure and function output the following: SIFT: "Not Available"; PolyPhen-2: "Benign"; Align-GVGD: "Not Available". The leucine amino acid residue is found in multiple mammalian species, which suggests that this missense change does not adversely affect protein function. In summary, the available evidence is currently insufficient to determine the role of this variant in disease. Therefore, it has been classified as a Variant of Uncertain Significance.